The following is an entry in ClinVar:

NM_001211.6(BUB1B):c.2450A>G (p.Glu817Gly)

Gene: BUB1B (BUB1 mitotic checkpoint serine/threonine kinase B; plus strand). Cytogenetic location: 15q15.1.
Variant type: single nucleotide variant.
Coding change: c.2450A>G on transcript NM_001211.6 (MANE Select); coding-DNA position 2450, A replaced by G.
Protein change: p.Glu817Gly; replaces glutamic acid 817 with glycine.
Molecular consequence: missense variant.
Genome position (GRCh38, 1-based): chr15:40,212,563, A>G. VCF-style: chr15-40212563-A-G. GRCh37 (hg19) VCF-style: chr15-40504764-A-G.
Other names: short protein forms E817G.
Identifiers: ClinVar variation 835876 (VCV000835876.12), dbSNP rs772750245, ClinGen allele CA7476049.

ClinVar aggregate classification (germline): Uncertain significance. Review status: criteria provided, multiple submitters, no conflicts (2 of 4 stars). 2 submissions from 2 submitters: Uncertain significance (2). Last evaluated 2022-08-19.

Conditions:
Mosaic variegated aneuploidy syndrome 1 (MVA1). Also called: Warburton-Anyane-Yeboa syndrome. Identifiers: Orphanet 1052, MedGen C1850343, MONDO:0009759, OMIM 257300.

Allele frequency attached by ClinVar (database versions not stated): gnomAD exomes below 0.00001; TOPMed below 0.00001; ExAC 0.00001.

Submissions (2):

Labcorp Genetics (formerly Invitae), Labcorp
Classification: Uncertain significance for Mosaic variegated aneuploidy syndrome 1. Last evaluated: 2022-08-19. Review status: criteria provided, single submitter. Criteria: Invitae Variant Classification Sherloc (09022015). Collection method: clinical testing. Allele origin: germline.
Comment: In summary, the available evidence is currently insufficient to determine the role of this variant in disease. Therefore, it has been classified as a Variant of Uncertain Significance. Algorithms developed to predict the effect of missense changes on protein structure and function (SIFT, PolyPhen-2, Align-GVGD) all suggest that this variant is likely to be tolerated. ClinVar contains an entry for this variant (Variation ID: 835876). This variant has not been reported in the literature in individuals affected with BUB1B-related conditions. This variant is present in population databases (rs772750245, gnomAD 0.0009%). This sequence change replaces glutamic acid, which is acidic and polar, with glycine, which is neutral and non-polar, at codon 817 of the BUB1B protein (p.Glu817Gly).

Breakthrough Genomics
Classification: Uncertain significance. Review status: criteria provided, single submitter. Criteria: ACMG Guidelines, 2015. Collection method: not provided. Allele origin: germline. Inheritance: Autosomal recessive inheritance. Affected: yes.